The following is an entry in ClinVar:

NM_001365951.3(KIF1B):c.5408+11TTG[5]

Gene: KIF1B (kinesin family member 1B; plus strand). Cytogenetic location: 1p36.22.
Variant type: Microsatellite.
Coding change: c.5408+11TTG[5] on transcript NM_001365951.3 (MANE Select); five copies in a row of the 3-base unit TTG starting at c.5408+11.
Molecular consequence: intron variant.
Genome position: GRCh38 VCF-style: chr1-10375383-TTTG-T. GRCh37 (hg19) VCF-style: chr1-10435441-TTTG-T.
Other names: c.5270+28_5270+30delGTT (NM_015074.3); c.5270+11TTG[5] (NM_015074.3); c.5408+11TTG[5] (NM_001365952.1).
Identifiers: ClinVar variation 1642080 (VCV001642080.11), dbSNP rs371033478, ClinGen allele CA582333.

ClinVar aggregate classification (germline): Benign/Likely benign. Review status: criteria provided, multiple submitters, no conflicts (2 of 4 stars). 3 submissions from 3 submitters: Benign (1); Likely benign (2). Last evaluated 2025-12-21.

Conditions:
Charcot-Marie-Tooth disease type 2. Also called: Charcot-Marie-Tooth type 2. Identifiers: Orphanet 64746, MedGen C0270914, MONDO:0018993.

Submissions (3):

Labcorp Genetics (formerly Invitae), Labcorp
Classification: Benign for Charcot-Marie-Tooth disease type 2. Last evaluated: 2025-12-21. Review status: criteria provided, single submitter. Criteria: Invitae Variant Classification Sherloc (09022015). Collection method: clinical testing. Allele origin: germline.

Women's Health and Genetics/Laboratory Corporation of America, LabCorp
Classification: Likely benign. Last evaluated: 2025-01-14. Review status: criteria provided, single submitter. Criteria: LabCorp Variant Classification Summary - May 2015. Collection method: clinical testing. Allele origin: germline.
Comment: Variant summary: KIF1B c.5270+28_5270+30delGTT is located at a position not widely known to affect splicing. Consensus agreement among computation tools predict no significant impact on normal splicing. However, these predictions have yet to be confirmed by functional studies. The variant allele was found at a frequency of 0.00016 in 251140 control chromosomes, predominantly at a frequency of 0.00056 within the South Asian subpopulation in the gnomAD database. This frequency is not significantly higher than estimated for a pathogenic variant in KIF1B causing Charcot-Marie-Tooth disease type 2A1, allowing no conclusion about variant significance. To our knowledge, no occurrence of c.5270+28_5270+30delGTT in individuals affected with Charcot-Marie-Tooth disease type 2A1 and no experimental evidence demonstrating its impact on protein function have been reported. ClinVar contains an entry for this variant (Variation ID: 1642080). Based on the evidence outlined above, the variant was classified as likely benign.

Blueprint Genetics
Classification: Likely benign. Last evaluated: 2024-11-26. Review status: criteria provided, single submitter. Criteria: ACMG Guidelines, 2015. Collection method: clinical testing. Allele origin: germline.